The following is an entry in ClinVar:

ClinVar aggregate classification (germline): Uncertain significance. Review status: criteria provided, multiple submitters, no conflicts (2 of 4 stars). 2 submissions from 2 submitters: Uncertain significance (2). Last evaluated 2025-03-04.

Allele frequency attached by ClinVar (database versions not stated): gnomAD 0.00001; TOPMed below 0.00001.
gnomAD v4.1: 8 of 1,612,884 alleles (0.0005%); highest among the groups gnomAD compares: South Asian, 0.0044%; no homozygotes.

Submissions (2):

Labcorp Genetics (formerly Invitae), Labcorp
Classification: Uncertain significance. Last evaluated: 2025-03-04. Review status: criteria provided, single submitter. Criteria: Invitae Variant Classification Sherloc (09022015). Collection method: clinical testing. Allele origin: germline.
Comment: This sequence change replaces histidine, which is basic and polar, with glutamine, which is neutral and polar, at codon 1593 of the MYH14 protein (p.His1593Gln). This variant is not present in population databases (gnomAD no frequency). This variant has not been reported in the literature in individuals affected with MYH14-related conditions. ClinVar contains an entry for this variant (Variation ID: 1712735). Invitae Evidence Modeling of protein sequence and biophysical properties (such as structural, functional, and spatial information, amino acid conservation, physicochemical variation, residue mobility, and thermodynamic stability) indicates that this missense variant is not expected to disrupt MYH14 protein function with a negative predictive value of 80%. In summary, the available evidence is currently insufficient to determine the role of this variant in disease. Therefore, it has been classified as a Variant of Uncertain Significance.

GeneDx
Classification: Uncertain significance. Last evaluated: 2022-04-28. Review status: criteria provided, single submitter. Criteria: GeneDx Variant Classification Process June 2021. Collection method: clinical testing. Allele origin: germline. Affected: yes.
Comment: Not observed at significant frequency in large population cohorts (gnomAD); In silico analysis supports that this missense variant does not alter protein structure/function; Has not been previously published as pathogenic or benign to our knowledge

NM_001145809.2(MYH14):c.4902T>G (p.His1634Gln)

Gene: MYH14 (myosin heavy chain 14; plus strand). Cytogenetic location: 19q13.33.
Variant type: single nucleotide variant.
Coding change: c.4902T>G on transcript NM_001145809.2 (MANE Select); coding-DNA position 4902, T replaced by G.
Protein change: p.His1634Gln; replaces histidine 1634 with glutamine.
Molecular consequence: missense variant.
Genome position (GRCh38, 1-based): chr19:50,289,585, T>G. VCF-style: chr19-50289585-T-G. GRCh37 (hg19) VCF-style: chr19-50792842-T-G.
Other names: c.4803T>G, p.His1601Gln (NM_001077186.2); c.4779T>G, p.His1593Gln (NM_024729.4); short protein forms H1593Q, H1601Q, H1634Q.
Identifiers: ClinVar variation 1712735 (VCV001712735.3), dbSNP rs1340234478, ClinGen allele CA406960625.
Genomic context (GRCh38, chr19:50,289,585, plus strand): 5'-AGCGGCCGAGGATGCCAAGCTGCGTCTGGAGGTGACTGTGCAGGCTCTCAAGACTCAGCA[T>G]GAGCGTGACCTGCAGGGCCGTGATGAGGCTGGTGAAGAGAGGCGGAGGCAGCTGGCCAAG-3'
Protein context (NP_001139281.1, residues 1624-1644): EVTVQALKTQ[His1634Gln]ERDLQGRDEA